The following is an entry in ClinVar:

NM_001148.6(ANK2):c.4310C>T (p.Thr1437Met)

Gene: ANK2 (ankyrin 2; plus strand). Cytogenetic location: 4q26.
Variant type: single nucleotide variant.
Coding change: c.4310C>T on transcript NM_001148.6 (MANE Select); coding-DNA position 4310, C replaced by T.
Protein change: p.Thr1437Met; replaces threonine 1437 with methionine.
Molecular consequence: missense variant.
Genome position (GRCh38, 1-based): chr4:113,345,961, C>T. VCF-style: chr4-113345961-C-T. GRCh37 (hg19) VCF-style: chr4-114267117-C-T.
Other names: p.T1437M:ACG>ATG; c.4124C>T, p.Thr1375Met (NM_001354276.2, NM_001386146.1, NM_001386149.1 and 6 more transcripts); c.3926C>T, p.Thr1309Met (NM_001354277.2, NM_001386157.1); c.1838C>T, p.Thr613Met (NM_001354278.2, NM_001354281.2); c.1874C>T, p.Thr625Met (NM_001354279.2, NM_001354282.2); c.1859C>T, p.Thr620Met (NM_001354280.2); c.4109C>T, p.Thr1370Met (NM_001386142.1, NM_001386154.1, NM_001354274.2); c.4247C>T, p.Thr1416Met (NM_001386143.1, NM_001354243.2, NM_001354255.2); and 32 more; short protein forms T1428M, T1437M, T1309M, T1342M, T1350M, T1375M, T1394M, T1416M.
Identifiers: ClinVar variation 190571 (VCV000190571.56), dbSNP rs142534126, ClinGen allele CA300913.

ClinVar aggregate classification (germline): Conflicting classifications of pathogenicity. Review status: criteria provided, conflicting classifications (1 of 4 stars). 9 submissions from 9 submitters: Uncertain significance (6); Likely benign (3). Last evaluated 2026-02-02.

Conditions:
Cardiovascular phenotype. Identifiers: MedGen CN230736.
Long QT syndrome (LQTS). Identifiers: MedGen C0023976, MeSH D008133, MONDO:0002442. Disease mechanism: loss of function. Inheritance: Various modes of inheritance.
Cardiac arrhythmia, ankyrin-B-related. Also called: ANKYRIN-B SYNDROME. Identifiers: Orphanet 101016, Orphanet 768, MedGen C1970119, MONDO:0010958, OMIM 600919.
Cardiomyopathy (CMYO). Also called: Cardiomyopathies. Identifiers: Orphanet 167848, MedGen C0878544, MONDO:0004994, HP:0001638. Inheritance: Various modes of inheritance.

Allele frequency attached by ClinVar (database versions not stated): ExAC 0.00012; gnomAD exomes 0.00014 and 0.00025; TOPMed 0.00017; gnomAD 0.00018 and 0.00019; ESP Exome Variant Server 0.00031.
gnomAD v4.1: 394 of 1,613,516 alleles (0.024%); highest among the groups gnomAD compares: Non-Finnish European, 0.03%; 1 homozygote.

Submissions (9):

Women's Health and Genetics/Laboratory Corporation of America, LabCorp
Classification: Likely benign. Last evaluated: 2026-02-02. Review status: criteria provided, single submitter. Criteria: LabCorp Variant Classification Summary - May 2015. Collection method: clinical testing. Allele origin: germline.
Comment: Variant summary: ANK2 c.4310C>T (p.Thr1437Met) results in a non-conservative amino acid change in the encoded protein sequence. Algorithms developed to predict the effect of missense changes on protein structure and function are either unavailable or do not agree on the potential impact of this missense change. The variant allele was found at a frequency of 0.00014 in 251172 control chromosomes (gnomAD). The observed variant frequency exceeds the estimated maximal expected allele frequency for disease-causing variants in ANK2. To our knowledge, no experimental evidence demonstrating its impact on protein function has been reported. ClinVar contains an entry for this variant (Variation ID: 190571). Based on the evidence outlined above, the variant was classified as likely benign.

Labcorp Genetics (formerly Invitae), Labcorp
Classification: Uncertain significance for Long QT syndrome. Last evaluated: 2026-01-28. Review status: criteria provided, single submitter. Criteria: Invitae Variant Classification Sherloc (09022015). Collection method: clinical testing. Allele origin: germline.
Comment: This sequence change replaces threonine, which is neutral and polar, with methionine, which is neutral and non-polar, at codon 1437 of the ANK2 protein (p.Thr1437Met). This variant is present in population databases (rs142534126, gnomAD 0.04%), and has an allele count higher than expected for a pathogenic variant. This missense change has been observed in individual(s) with hypertrophic cardiomyopathy, dilated cardiomyopathy, or primary electrical disease (PMID: 25351510, 28341588, 28750076). This variant is also known as c.4283C>T:p.T1428M. ClinVar contains an entry for this variant (Variation ID: 190571). Invitae Evidence Modeling of protein sequence and biophysical properties (such as structural, functional, and spatial information, amino acid conservation, physicochemical variation, residue mobility, and thermodynamic stability) indicates that this missense variant is not expected to disrupt ANK2 protein function with a negative predictive value of 80%. In summary, the available evidence is currently insufficient to determine the role of this variant in disease. Therefore, it has been classified as a Variant of Uncertain Significance.

GeneDx
Classification: Uncertain significance. Last evaluated: 2025-09-09. Review status: criteria provided, single submitter. Criteria: GeneDx Variant Classification Process June 2021. Collection method: clinical testing. Allele origin: germline. Affected: yes.
Comment: Identified in association with HCM, DCM, primary electric disease (PED), and arrhythmia (PMID: 17242276, 25351510, 28750076, 28341588); In silico analysis supports that this missense variant has a deleterious effect on protein structure/function; This variant is associated with the following publications: (PMID: 25351510, 28341588, 17242276, 28750076)

Blueprint Genetics
Classification: Likely benign. Last evaluated: 2023-09-26. Review status: criteria provided, single submitter. Criteria: ACMG Guidelines, 2015. Collection method: clinical testing. Allele origin: germline.

Ambry Genetics
Classification: Likely benign for Cardiovascular phenotype. Last evaluated: 2022-08-25. Review status: criteria provided, single submitter. Criteria: Ambry Variant Classification Scheme 2023. Collection method: clinical testing. Allele origin: germline.

CeGaT Center for Human Genetics Tuebingen
Classification: Uncertain significance. Last evaluated: 2022-03-01. Review status: criteria provided, single submitter. Criteria: CeGaT Center For Human Genetics Tuebingen Variant Classification Criteria Version 2. Collection method: clinical testing. Allele origin: germline. Affected: yes. Observed: 1 variant allele.

Fulgent Genetics
Classification: Uncertain significance for Cardiac arrhythmia, ankyrin-B-related. Last evaluated: 2021-10-29. Review status: criteria provided, single submitter. Criteria: ACMG Guidelines, 2015. Collection method: clinical testing. Allele origin: unknown.

Center for Advanced Laboratory Medicine, UC San Diego Health, University of California San Diego
Classification: Uncertain significance for Cardiomyopathy. Last evaluated: 2017-11-01. Review status: criteria provided, single submitter. Criteria: ACMG Guidelines, 2015. Collection method: clinical testing. Allele origin: germline. Affected: yes. Observed: 1 variant allele.

Stanford Center for Inherited Cardiovascular Disease, Stanford University
Classification: Uncertain significance. Last evaluated: 2015-12-16. Review status: criteria provided, single submitter. Criteria: ACMG Guidelines, 2015. Collection method: provider interpretation. Allele origin: germline.

Literature cited by the submitters: PubMed 25351510 (cited by Labcorp Genetics (formerly Invitae), Labcorp and Ambry Genetics); PubMed 28341588 (cited by Labcorp Genetics (formerly Invitae), Labcorp and Ambry Genetics); PubMed 28750076 (cited by Labcorp Genetics (formerly Invitae), Labcorp and Ambry Genetics); PubMed 24828792 (cited by Ambry Genetics); PubMed 33029862 (cited by Ambry Genetics).